The following is an entry in ClinVar:

ClinVar aggregate classification (germline): Uncertain significance (1 of 4 stars; one submission).

Conditions:
Intellectual developmental disorder, autosomal dominant 52. Also called: Intellectual disability, autosomal dominant 52; Mental retardation, autosomal dominant 52. Identifiers: MedGen C4540478, MONDO:0030918, OMIM 617796.

Allele frequency attached by ClinVar (database versions not stated): gnomAD 0.00001; gnomAD exomes 0.00001; TOPMed 0.00001.
gnomAD v4.1: 4 of 1,597,458 alleles (0.00025%); highest among the groups gnomAD compares: South Asian, 0.0012%; no homozygotes.

Submission:

Victorian Clinical Genetics Services, Murdoch Childrens Research Institute
Classification: Uncertain significance for Intellectual developmental disorder, autosomal dominant 52. Last evaluated: 2020-05-21. Review status: criteria provided, single submitter. Criteria: ACMG Guidelines, 2015. Collection method: clinical testing. Allele origin: germline. Inheritance: Autosomal dominant inheritance.
Comment: Based on the classification scheme VCGS_Germline_v1.1.1, this variant is classified as 3C-VUS. Following criteria are met: 0102 - Loss-of-function is a known mechanism of disease for this gene. (N) 0107 - This gene is known to be associated with autosomal dominant disease. (N) 0200 - Variant is predicted to result in a missense amino acid change from cysteine to serine. (N) 0251 - Variant is heterozygous. (N) 0302 - Variant is present in gnomAD <0.001 for a dominant condition (1 heterozygote, 0 homozygotes). (P) 0502 - Missense variant with conflicting in-silico predictions and/or uninformative conservation. (N) 0504 - Same amino acid change has been observed in mammals. (B) 0604 - Variant is not located in an established domain, motif, hotspot or informative constraint region. (N) 0705 - No comparable variants have previous evidence for pathogenicity. (N) 0807 - Variant has not previously been reported in a clinical context. (N) 0905 - No segregation evidence has been identified for this variant. (N) 1007 - No published functional evidence has been identified for this variant. (N) 1208 - Inheritance information for this variant is not currently available. (N) Legend: (P) - Pathogenic, (N) - Neutral, (B) - Benign

NM_018489.3(ASH1L):c.407G>C (p.Cys136Ser)

Gene: ASH1L (ASH1 like histone lysine methyltransferase; minus strand). Cytogenetic location: 1q22.
Variant type: single nucleotide variant.
Coding change: c.407G>C on transcript NM_018489.3 (MANE Select); coding-DNA position 407, G replaced by C.
Protein change: p.Cys136Ser; replaces cysteine 136 with serine.
Molecular consequence: missense variant.
Genome position (GRCh38, 1-based): chr1:155,521,113, C>G on the plus strand (G>C on the coding strand, the complement: ASH1L is on the minus strand). VCF-style: chr1-155521113-C-G. GRCh37 (hg19) VCF-style: chr1-155490904-C-G.
Other names: c.407G>C, p.Cys136Ser (NM_001366177.2); short protein forms C136S.
Identifiers: ClinVar variation 1805325 (VCV001805325.1), dbSNP rs1233740479, ClinGen allele CA342712619.